The following is an entry in ClinVar:

ClinVar aggregate classification (germline): Likely benign (1 of 4 stars; one submission).

Conditions:
B9D1-related disorder. Also called: B9D1-related condition; B9D1-related disorders.

Submission:

PreventionGenetics, part of Exact Sciences
Classification: Likely benign for B9D1-related condition. Last evaluated: 2026-05-18. Review status: criteria provided, single submitter. Criteria: ACMG Guidelines, 2015. Collection method: clinical testing. Allele origin: germline.
Comment: This variant is classified as likely benign based on ACMG/AMP sequence variant interpretation guidelines (Richards et al. 2015 PMID: 25741868, with internal and published modifications).

NM_015681.6(B9D1):c.-87_-86del

Gene: B9D1 (B9 domain containing 1; minus strand). Cytogenetic location: 17p11.2.
Variant type: Deletion.
Coding change: c.-87_-86del on transcript NM_015681.6 (MANE Select); 87 bases upstream of the start codon through 86 bases upstream of the start codon, 2 bases deleted (TA; older notation c.-87_-86delTA).
Molecular consequence: 5 prime UTR variant. On other transcripts: intron variant (1).
Genome position (GRCh38, 1-based): chr17:19,362,655-19,362,656, TA deleted on the plus strand (TA on the coding strand, the reverse complement: B9D1 is on the minus strand). VCF-style (leftmost placement, unchanged base first): chr17-19362654-GTA-G. GRCh37 (hg19) VCF-style: chr17-19265967-GTA-G.
Other names: c.-87_-86del (NM_001321214.2, NM_001321215.3, NM_001321216.2 and 4 more transcripts); c.-297-2268_-297-2267del (NM_001368769.2).
Identifiers: ClinVar variation 4996403 (VCV004996403.1).
Genomic context (GRCh38, chr17:19,362,654, plus strand): 5'-ACCCACCTAGGCCGCGCGCGGTTGCTAAGAGACGCCGGCGTTGCCCTAGAAACAGACGGC[GTA>G]GCGCGCAGGACACGTTTCTTGGCAGCGACACCTTCGCGAAGGCCACGCGAGTGCGCGTGT-3'